The following is an entry in ClinVar:

NM_003846.3(PEX11B):c.518T>G (p.Leu173Arg)

Gene: PEX11B (peroxisomal biogenesis factor 11 beta; minus strand). Cytogenetic location: 1q21.1.
Variant type: single nucleotide variant.
Coding change: c.518T>G on transcript NM_003846.3 (MANE Select); coding-DNA position 518, T replaced by G.
Protein change: p.Leu173Arg; replaces leucine 173 with arginine.
Molecular consequence: missense variant. On other transcripts: non-coding transcript variant (3).
Genome position (GRCh38, 1-based): chr1:145,912,423, A>C on the plus strand (T>G on the coding strand, the complement: PEX11B is on the minus strand). VCF-style: chr1-145912423-A-C. GRCh37 (hg19) VCF-style: chr1-145522657-T-G.
Other names: c.476T>G, p.Leu159Arg (NM_001184795.1); short protein forms L159R, L173R.
Identifiers: ClinVar variation 4985705 (VCV004985705.1).

ClinVar aggregate classification (germline): Uncertain significance (1 of 4 stars; one submission).

Conditions:
PEX11B-related disorder. Also called: PEX11B-related condition.

gnomAD v4.1: 7 of 1,578,468 alleles (0.00044%); highest among the groups gnomAD compares: Non-Finnish European, 0.0006%; no homozygotes.

Submission:

PreventionGenetics, part of Exact Sciences
Classification: Uncertain significance for PEX11B-related condition. Last evaluated: 2025-03-19. Review status: criteria provided, single submitter. Criteria: ACMG Guidelines, 2015. Collection method: clinical testing. Allele origin: germline.
Comment: The PEX11B c.518T>G variant is predicted to result in the amino acid substitution p.Leu173Arg. To our knowledge, this variant has not been reported in the literature. This variant is reported in 0.0019% of alleles in individuals of European (Non-Finnish) descent in gnomAD. At this time, the clinical significance of this variant is uncertain due to the absence of conclusive functional and genetic evidence.